The following is an entry in ClinVar:

ClinVar aggregate classification (germline): Likely benign. Review status: criteria provided, single submitter (1 of 4 stars). 2 submissions from 2 submitters: Likely benign (1). 1 of the submissions does not count toward it. Last evaluated 2025-10-03.

Conditions:
NUP93-related disorder. Also called: NUP93-related condition.

Allele frequency attached by ClinVar (database versions not stated): gnomAD exomes 0.00001; TOPMed 0.00002; gnomAD 0.00003.
gnomAD v4.1: 12 of 1,610,728 alleles (0.00075%); highest among the groups gnomAD compares: Admixed American, 0.005%; no homozygotes.

Submissions (2):

Labcorp Genetics (formerly Invitae), Labcorp
Classification: Likely benign. Last evaluated: 2025-10-03. Review status: criteria provided, single submitter. Criteria: Invitae Variant Classification Sherloc (09022015). Collection method: clinical testing. Allele origin: germline.

PreventionGenetics, part of Exact Sciences
Classification: Likely benign for NUP93-related condition. Last evaluated: 2023-05-16. Review status: no assertion criteria provided. Collection method: clinical testing. Allele origin: germline. Not counted in ClinVar's aggregate classification.
Comment: This variant is classified as likely benign based on ACMG/AMP sequence variant interpretation guidelines (Richards et al. 2015 PMID: 25741868, with internal and published modifications).

NM_014669.5(NUP93):c.1738-4A>G

Gene: NUP93 (nucleoporin 93; plus strand). Cytogenetic location: 16q13.
Variant type: single nucleotide variant.
Coding change: c.1738-4A>G on transcript NM_014669.5 (MANE Select); 4 bases into the intron before coding-DNA position 1738, A replaced by G.
Molecular consequence: intron variant.
Genome position (GRCh38, 1-based): chr16:56,834,730, A>G. VCF-style: chr16-56834730-A-G. GRCh37 (hg19) VCF-style: chr16-56868642-A-G.
Other names: c.1369-4A>G (NM_001242795.2, NM_001242796.2).
Identifiers: ClinVar variation 3029791 (VCV003029791.4), dbSNP rs1316982413, ClinGen allele CA722009928.